The following is an entry in ClinVar:

NC_000003.12:g.169765018A>C

Genes: TERC (telomerase RNA component; minus strand), LOC110806306 (telomerase RNA component (TERC) promoter; plus strand). Cytogenetic location: 3q26.2.
Variant type: single nucleotide variant.
Genome position: GRCh38 VCF-style: chr3-169765018-A-C. GRCh37 (hg19) VCF-style: chr3-169482806-A-C.
Identifiers: ClinVar variation 465770 (VCV000465770.11), dbSNP rs1553915624, ClinGen allele CA436715970.

ClinVar aggregate classification (germline): Uncertain significance (1 of 4 stars; one submission).

Conditions:
Dyskeratosis congenita, autosomal dominant 1 (DKCA1). Also called: Dyskeratosis congenita Scoggins type. Identifiers: Orphanet 1775, MedGen C4551974, MONDO:0007485, OMIM 127550. Inheritance: Variable.

Submission:

Labcorp Genetics (formerly Invitae), Labcorp
Classification: Uncertain significance for Dyskeratosis congenita, autosomal dominant 1. Last evaluated: 2022-03-05. Review status: criteria provided, single submitter. Criteria: Invitae Variant Classification Sherloc (09022015). Collection method: clinical testing. Allele origin: germline.
Comment: This variant occurs in the TERC gene, which encodes an RNA molecule that does not result in a protein product. This variant is not present in population databases (gnomAD no frequency). This variant has not been reported in the literature in individuals affected with TERC-related conditions. ClinVar contains an entry for this variant (Variation ID: 465770). This variant is located within the template/pseudoknot domain of the TERC RNA component, which is required for RNA or RNP stability (PMID: 15082312, 21844345). In summary, the available evidence is currently insufficient to determine the role of this variant in disease. Therefore, it has been classified as a Variant of Uncertain Significance. This variant is located in a region of TERC in which a significant number of disease causing variants have been reported (PMID: 15082312, 21844345, 21931702). These observations suggest that this may be a clinically significant region.

Literature cited by the submitters: PubMed 15082312; PubMed 21844345; PubMed 21931702.